The following is an entry in ClinVar:

ClinVar aggregate classification (germline): Uncertain significance (0 of 4 stars; one submission).

Conditions:
Prostate cancer. Also called: Malignant tumor of prostate. Identifiers: Orphanet 1331, MedGen C0376358, MONDO:0008315, HP:0012125.

Submission:

Science for Life laboratory,  Karolinska Institutet
Classification: Uncertain significance for Malignant tumor of prostate. Review status: no assertion criteria provided. Collection method: not provided. Allele origin: somatic.
Comment: TumorID:SWE-11
ClinVar note: Converted during submission from Unknown to Uncertain significance.

NM_001128840.3(CACNA1D):c.3483del (p.Glu1162fs)

Genes: CACNA1D (calcium voltage-gated channel subunit alpha1 D; plus strand), LOC129936904 (ATAC-STARR-seq lymphoblastoid active region 19969; plus strand). Cytogenetic location: 3p21.1.
Variant type: Deletion.
Coding change: c.3483del on transcript NM_001128840.3 (MANE Select); coding-DNA position 3483, one base deleted (A; older notation c.3483delA).
Protein change: p.Glu1162fs; shifts the reading frame from glutamic acid 1162.
Molecular consequence: frameshift variant.
Genome position (GRCh38, 1-based): chr3:53,749,436, A deleted; the last of 5 consecutive A bases (chr3:53,749,432-53,749,436); deleting any one gives the same sequence. VCF-style (leftmost placement, unchanged base first): chr3-53749431-GA-G. GRCh37 (hg19) VCF-style: chr3-53783458-GA-G.
Other names: c.3543del, p.Glu1182fs (NM_000720.4); c.3483del, p.Glu1162fs (NM_001128839.3); short protein forms E1182fs, E1162fs.
Identifiers: ClinVar variation 161471 (VCV000161471.2), dbSNP rs193920795, ClinGen allele CA174097.
Genomic context (GRCh38, chr3:53,749,431, plus strand): 5'-GCTTTCTTCATGATGAACATCTTTGTGGGCTTTGTCATCGTTACATTTCAGGAACAAGGA[GA>G]AAAAGAGTATAAGAACTGTGAGCTGGACAAAAATCAGGTTAAAGTCACACACTGTTTTGG-3'